The following is an entry in ClinVar:

NM_007194.4(CHEK2):c.1345C>A (p.Pro449Thr)

Gene: CHEK2 (checkpoint kinase 2; minus strand). Cytogenetic location: 22q12.1.
Variant type: single nucleotide variant.
Coding change: c.1345C>A on transcript NM_007194.4 (MANE Select); coding-DNA position 1345, C replaced by A.
Protein change: p.Pro449Thr; replaces proline 449 with threonine.
Molecular consequence: missense variant.
Genome position (GRCh38, 1-based): chr22:28,695,157, G>T on the plus strand (C>A on the coding strand, the complement: CHEK2 is on the minus strand). VCF-style: chr22-28695157-G-T. GRCh37 (hg19) VCF-style: chr22-29091145-G-T.
Other names: c.1474C>A, p.Pro492Thr (NM_001005735.3); c.682C>A, p.Pro228Thr (NM_001257387.3); c.1144C>A, p.Pro382Thr (NM_001349956.3); c.1258C>A, p.Pro420Thr (NM_145862.3); short protein forms P449T, P228T, P492T, P382T, P420T.
Identifiers: ClinVar variation 489879 (VCV000489879.18), dbSNP rs1555913437, ClinGen allele CA411095645.

ClinVar aggregate classification (germline): Uncertain significance. Review status: criteria provided, multiple submitters, no conflicts (2 of 4 stars). 5 submissions from 5 submitters: Uncertain significance (3). 2 of the submissions do not count toward it. Last evaluated 2023-06-09.

Conditions:
Familial cancer of breast. Also called: Hereditary breast cancer; BREAST CANCER, FAMILIAL; hereditary breast carcinoma. Identifiers: Orphanet 227535, MedGen C0346153, MONDO:0016419, OMIM 114480. Disease mechanism: loss of function.
Hereditary cancer-predisposing syndrome. Also called: Hereditary Cancer Syndrome; Neoplastic Syndromes, Hereditary; Tumor predisposition; Hereditary neoplastic syndrome. Identifiers: Orphanet 140162, MedGen C0027672, MeSH D009386, MONDO:0015356.

Allele frequency attached by ClinVar (database versions not stated): gnomAD exomes below 0.00001.
gnomAD v4.1: 1 of 1,611,894 alleles (0.000062%); highest among the groups gnomAD compares: Non-Finnish European, 0.000085%; no homozygotes.

Submissions (5):

Labcorp Genetics (formerly Invitae), Labcorp
Classification: Uncertain significance for Familial cancer of breast. Last evaluated: 2023-06-09. Review status: criteria provided, single submitter. Criteria: Invitae Variant Classification Sherloc (09022015). Collection method: clinical testing. Allele origin: germline.
Comment: In summary, the available evidence is currently insufficient to determine the role of this variant in disease. Therefore, it has been classified as a Variant of Uncertain Significance. An algorithm developed to predict the effect of missense changes on protein structure and function (PolyPhen-2) suggests that this variant is likely to be tolerated. ClinVar contains an entry for this variant (Variation ID: 489879). This variant has not been reported in the literature in individuals affected with CHEK2-related conditions. This variant is not present in population databases (gnomAD no frequency). This sequence change replaces proline, which is neutral and non-polar, with threonine, which is neutral and polar, at codon 449 of the CHEK2 protein (p.Pro449Thr).

Ambry Genetics
Classification: Uncertain significance for Hereditary cancer-predisposing syndrome. Last evaluated: 2023-04-25. Review status: criteria provided, single submitter. Criteria: Ambry Variant Classification Scheme 2023. Collection method: clinical testing. Allele origin: germline.
Comment: The p.P449T variant (also known as c.1345C>A), located in coding exon 11 of the CHEK2 gene, results from a C to A substitution at nucleotide position 1345. The proline at codon 449 is replaced by threonine, an amino acid with highly similar properties. This amino acid position is well conserved in available vertebrate species. In addition, the in silico prediction for this alteration is inconclusive. Since supporting evidence is limited at this time, the clinical significance of this alteration remains unclear.

Color Diagnostics, LLC DBA Color Health
Classification: Uncertain significance for Hereditary cancer-predisposing syndrome. Last evaluated: 2018-09-22. Review status: criteria provided, single submitter. Criteria: ACMG Guidelines, 2015. Collection method: clinical testing. Allele origin: germline.

Clinical Genetics Laboratory, Department of Pathology, Netherlands Cancer Institute
Classification: Likely benign. Review status: no assertion criteria provided. Collection method: clinical testing. Allele origin: germline. Affected: yes. Study: VKGL Data-share Consensus. Not counted in ClinVar's aggregate classification.

Joint Genome Diagnostic Labs from Nijmegen and Maastricht, Radboudumc and MUMC+
Classification: Likely benign. Review status: no assertion criteria provided. Collection method: clinical testing. Allele origin: germline. Affected: yes. Study: VKGL Data-share Consensus. Not counted in ClinVar's aggregate classification.